The following is an entry in ClinVar:

ClinVar aggregate classification (germline): Uncertain significance (1 of 4 stars; one submission).

gnomAD v4.1: 1 of 1,613,076 alleles (0.000062%); highest among the groups gnomAD compares: Admixed American, 0.0017%; no homozygotes.

Submission:

Labcorp Genetics (formerly Invitae), Labcorp
Classification: Uncertain significance. Last evaluated: 2022-12-01. Review status: criteria provided, single submitter. Criteria: Invitae Variant Classification Sherloc (09022015). Collection method: clinical testing. Allele origin: germline.
Comment: In summary, the available evidence is currently insufficient to determine the role of this variant in disease. Therefore, it has been classified as a Variant of Uncertain Significance. Algorithms developed to predict the effect of missense changes on protein structure and function are either unavailable or do not agree on the potential impact of this missense change (SIFT: "Deleterious"; PolyPhen-2: "Possibly Damaging"; Align-GVGD: "Class C0"). This variant has not been reported in the literature in individuals affected with DSCAML1-related conditions. This variant is present in population databases (no rsID available, gnomAD 0.003%). This sequence change replaces isoleucine, which is neutral and non-polar, with methionine, which is neutral and non-polar, at codon 317 of the DSCAML1 protein (p.Ile317Met).

NM_020693.4(DSCAML1):c.771C>G (p.Ile257Met)

Gene: DSCAML1 (DS cell adhesion molecule like 1; minus strand). Cytogenetic location: 11q23.3.
Variant type: single nucleotide variant.
Coding change: c.771C>G on transcript NM_020693.4 (MANE Select); coding-DNA position 771, C replaced by G.
Protein change: p.Ile257Met; replaces isoleucine 257 with methionine.
Molecular consequence: missense variant.
Genome position (GRCh38, 1-based): chr11:117,524,971, G>C on the plus strand (C>G on the coding strand, the complement: DSCAML1 is on the minus strand). VCF-style: chr11-117524971-G-C. GRCh37 (hg19) VCF-style: chr11-117395686-G-C.
Other names: c.771C>G, p.Ile257Met (NM_001367904.1); c.363C>G, p.Ile121Met (NM_001367905.1); short protein forms I257M, I121M.
Identifiers: ClinVar variation 3022581 (VCV003022581.3), dbSNP rs1361384587, ClinGen allele CA382749686.